The following is an entry in ClinVar:

NM_005491.5(MAMLD1):c.505G>A (p.Val169Met)

Gene: MAMLD1 (mastermind like domain containing 1; plus strand). Cytogenetic location: Xq28.
Variant type: single nucleotide variant.
Coding change: c.505G>A on transcript NM_005491.5 (MANE Select); coding-DNA position 505, G replaced by A.
Protein change: p.Val169Met; replaces valine 169 with methionine.
Molecular consequence: missense variant.
Genome position (GRCh38, 1-based): chrX:150,470,078, G>A. VCF-style: chrX-150470078-G-A. GRCh37 (hg19) VCF-style: chrX-149638350-G-A.
Other names: c.430G>A, p.Val144Met (NM_001177465.3, NM_001177466.3, NM_001400514.1); c.505G>A, p.Val169Met (NM_001400512.1, NM_001400513.1, NM_001400515.1); short protein forms V144M, V169M.
Identifiers: ClinVar variation 2956289 (VCV002956289.7), dbSNP rs781882571, ClinGen allele CA10538674.
Genomic context (GRCh38, chrX:150,470,078, plus strand): 5'-CAGACTACAGAAGTGGGACTGAAAGGGCCCACTGTTCCTTACTATGAGAAAATCAACAGC[G>A]TGCCGGCTGTAGACCAGGAGCTTCAAGAGCTGCTAGAGGAGCTCACCAAAATTCAAGACC-3'
Protein context (NP_005482.2, residues 159-179): TVPYYEKINS[Val169Met]PAVDQELQEL

ClinVar aggregate classification (germline): Likely benign. Review status: criteria provided, multiple submitters, no conflicts (2 of 4 stars). 2 submissions from 2 submitters: Likely benign (2). Last evaluated 2026-01-01.

Allele frequency attached by ClinVar (database versions not stated): ExAC 0.00001; gnomAD 0.00001; TOPMed 0.00006.
gnomAD v4.1: 15 of 1,209,818 alleles (0.0012%); highest among the groups gnomAD compares: East Asian, 0.0059%; no homozygotes.

Submissions (2):

CeGaT Center for Human Genetics Tuebingen
Classification: Likely benign. Last evaluated: 2026-01-01. Review status: criteria provided, single submitter. Criteria: CeGaT Center For Human Genetics Tuebingen Variant Classification Criteria Version 2. Collection method: clinical testing. Allele origin: germline. Affected: yes. Observed: 1 variant allele.
Comment: MAMLD1: BP4

Labcorp Genetics (formerly Invitae), Labcorp
Classification: Likely benign. Last evaluated: 2023-01-17. Review status: criteria provided, single submitter. Criteria: Invitae Variant Classification Sherloc (09022015). Collection method: clinical testing. Allele origin: germline.